The following is an entry in ClinVar:

NM_001134831.2(AHI1):c.2490G>A (p.Arg830=)

Gene: AHI1 (Abelson helper integration site 1; minus strand). Cytogenetic location: 6q23.3.
Variant type: single nucleotide variant.
Coding change: c.2490G>A on transcript NM_001134831.2 (MANE Select); coding-DNA position 2490, G replaced by A.
Protein change: p.Arg830=; no amino-acid change (arginine 830 retained).
Molecular consequence: synonymous variant.
Genome position (GRCh38, 1-based): chr6:135,429,884, C>T on the plus strand (G>A on the coding strand, the complement: AHI1 is on the minus strand). VCF-style: chr6-135429884-C-T. GRCh37 (hg19) VCF-style: chr6-135751022-C-T.
Other names: p.Arg830=; c.2490G>A, p.Arg830= (NM_001134830.2, NM_001134832.2, NM_001350503.2 and 2 more transcripts).
Identifiers: ClinVar variation 260847 (VCV000260847.27), dbSNP rs368942099, ClinGen allele CA4012369.

ClinVar aggregate classification (germline): Benign/Likely benign. Review status: criteria provided, multiple submitters, no conflicts (2 of 4 stars). 7 submissions from 7 submitters: Benign (1); Likely benign (6). Last evaluated 2026-07-01.

Conditions:
Joubert syndrome. Also called: Familial aplasia of the vermis; JOUBERT-BOLTSHAUSER SYNDROME. Identifiers: Orphanet 475, MedGen C5979921, MONDO:0018772.

Allele frequency attached by ClinVar (database versions not stated): gnomAD exomes 0.00013 and 0.00042; ExAC 0.00105; gnomAD 0.00152 and 0.00163; ESP Exome Variant Server 0.00153; 1000 Genomes Project 30x 0.00156; 1000 Genomes Project 0.00160; TOPMed 0.00160.
gnomAD v4.1: 422 of 1,519,080 alleles (0.028%); highest among the groups gnomAD compares: African/African-American, 0.5%; 1 homozygote.

Submissions (7):

CeGaT Center for Human Genetics Tuebingen
Classification: Likely benign. Last evaluated: 2026-07-01. Review status: criteria provided, single submitter. Criteria: CeGaT Center For Human Genetics Tuebingen Variant Classification Criteria Version 2. Collection method: clinical testing. Allele origin: germline. Affected: yes. Observed: 3 variant alleles.
Comment: AHI1: BP4, BP7

Labcorp Genetics (formerly Invitae), Labcorp
Classification: Benign for Joubert syndrome. Last evaluated: 2026-01-31. Review status: criteria provided, single submitter. Criteria: Invitae Variant Classification Sherloc (09022015). Collection method: clinical testing. Allele origin: germline.

Mayo Clinic Laboratories, Mayo Clinic
Classification: Likely benign. Last evaluated: 2025-01-20. Review status: criteria provided, single submitter. Criteria: ACMG Guidelines, 2015. Collection method: clinical testing. Allele origin: germline. Observed: 1 variant allele.
Comment: BS1, BP4, BP7

Blueprint Genetics
Classification: Likely benign. Last evaluated: 2024-10-18. Review status: criteria provided, single submitter. Criteria: ACMG Guidelines, 2015. Collection method: clinical testing. Allele origin: germline.

Eurofins Ntd Llc (ga)
Classification: Likely benign. Last evaluated: 2017-06-13. Review status: criteria provided, single submitter. Criteria: EGL Classification Definitions 2015. Collection method: clinical testing. Allele origin: germline. Observed: 1 variant allele, 1 heterozygote.

GeneDx
Classification: Likely benign. Last evaluated: 2017-06-01. Review status: criteria provided, single submitter. Criteria: GeneDx Variant Classification (06012015). Collection method: clinical testing. Allele origin: germline. Affected: yes.
Comment: This variant is considered likely benign or benign based on one or more of the following criteria: it is a conservative change, it occurs at a poorly conserved position in the protein, it is predicted to be benign by multiple in silico algorithms, and/or has population frequency not consistent with disease.

PreventionGenetics, part of Exact Sciences
Classification: Likely benign. Review status: criteria provided, single submitter. Criteria: ACMG Guidelines, 2015. Collection method: clinical testing. Allele origin: germline.